The following is an entry in ClinVar:

NM_020884.7(MYH7B):c.5396A>G (p.Glu1799Gly)

Gene: MYH7B (myosin heavy chain 7B; plus strand). Cytogenetic location: 20q11.22.
Variant type: single nucleotide variant.
Coding change: c.5396A>G on transcript NM_020884.7 (MANE Select); coding-DNA position 5396, A replaced by G.
Protein change: p.Glu1799Gly; replaces glutamic acid 1799 with glycine.
Molecular consequence: missense variant.
Genome position (GRCh38, 1-based): chr20:35,001,079, A>G. VCF-style: chr20-35001079-A-G. GRCh37 (hg19) VCF-style: chr20-33588882-A-G.
Other names: short protein forms E1799G.
Identifiers: ClinVar variation 4809136 (VCV004809136.1).
Genomic context (GRCh38, chr20:35,001,079, plus strand): 5'-AGCAGGACACAAGTGCACACCTGGAACGGATGAAGAAGACGCTGGAGCAGACGGTGCGCG[A>G]GCTCCAGGCCCGCCTTGAGGAGGCAGAACAGGCCGCCCTCCGTGGCGGGAAGAAGCAGGT-3'
Protein context (NP_065935.4, residues 1789-1809): MKKTLEQTVR[Glu1799Gly]LQARLEEAEQ

ClinVar aggregate classification (germline): Uncertain significance (1 of 4 stars; one submission).

gnomAD v4.1: 2 of 1,613,782 alleles (0.00012%); highest among the groups gnomAD compares: Non-Finnish European, 0.00017%; no homozygotes.

Submission:

Labcorp Genetics (formerly Invitae), Labcorp
Classification: Uncertain significance. Last evaluated: 2025-11-21. Review status: criteria provided, single submitter. Criteria: Invitae Variant Classification Sherloc (09022015). Collection method: clinical testing. Allele origin: germline.
Comment: This sequence change replaces glutamic acid, which is acidic and polar, with glycine, which is neutral and non-polar, at codon 1841 of the MYH7B protein (p.Glu1841Gly). This variant is not present in population databases (gnomAD no frequency). This variant has not been reported in the literature in individuals affected with MYH7B-related conditions. Invitae Evidence Modeling of protein sequence and biophysical properties (such as structural, functional, and spatial information, amino acid conservation, physicochemical variation, residue mobility, and thermodynamic stability) indicates that this missense variant is expected to disrupt MYH7B protein function with a positive predictive value of 80%. In summary, the available evidence is currently insufficient to determine the role of this variant in disease. Therefore, it has been classified as a Variant of Uncertain Significance.